The following is an entry in ClinVar:

ClinVar aggregate classification (germline): Benign (1 of 4 stars; one submission).

Conditions:
Diaphanospondylodysostosis. Also called: VERTEBRAL OSSIFICATION, DEFECT IN, WITH NEPHROGENIC RESTS. Identifiers: Orphanet 66637, MedGen C1842691, MONDO:0011946, OMIM 608022.

Allele frequency attached by ClinVar (database versions not stated): gnomAD exomes 0.01968; TOPMed 0.01212; 1000 Genomes Project 30x 0.01546; 1000 Genomes Project 0.01577.
gnomAD v4.1: 2,244 of 154,452 alleles (1.5%); highest among the groups gnomAD compares: South Asian, 6.3%; 43 homozygotes.

Submissions (5):

Illumina Laboratory Services, Illumina
Classification: Benign for Diaphanospondylodysostosis. Last evaluated: 2018-01-13. Review status: criteria provided, single submitter. Criteria: ICSL Variant Classification Criteria 13 December 2019. Collection method: clinical testing. Allele origin: germline.
Comment: This variant was observed in the ICSL laboratory as part of a predisposition screen in an ostensibly healthy population. It had not been previously curated by ICSL or reported in the Human Gene Mutation Database (HGMD: prior to June 1st, 2018), and was therefore a candidate for classification through an automated scoring system. Utilizing variant allele frequency, disease prevalence and penetrance estimates, and inheritance mode, an automated score was calculated to assess if this variant is too frequent to cause the disease. Based on the score and internal cut-off values, a variant classified as benign is not then subjected to further curation. The score for this variant resulted in a classification of benign for this disease.

Dr. Peter K. Rogan Lab, Western University
No classification provided (evidence only). Condition: Cervical cancer. Review status: no classification provided. Collection method: in vitro. Allele origin: not applicable. Functional consequence: retained intron. Not counted in ClinVar's aggregate classification.

Dr. Peter K. Rogan Lab, Western University
No classification provided (evidence only). Condition: Cervical cancer. Review status: no classification provided. Collection method: in vitro. Allele origin: not applicable. Functional consequence: retained intron. Not counted in ClinVar's aggregate classification.

Dr. Peter K. Rogan Lab, Western University
No classification provided (evidence only). Condition: Ovarian serous cystadenocarcinoma. Review status: no classification provided. Collection method: in vitro. Allele origin: not applicable. Functional consequence: retained intron. Not counted in ClinVar's aggregate classification.

Dr. Peter K. Rogan Lab, Western University
No classification provided (evidence only). Condition: Ovarian serous cystadenocarcinoma. Review status: no classification provided. Collection method: in vitro. Allele origin: not applicable. Functional consequence: retained intron. Not counted in ClinVar's aggregate classification.

NM_001365308.1(BMPER):c.*678G>T

Gene: BMPER (BMP binding endothelial regulator; plus strand). Cytogenetic location: 7p14.3.
Variant type: single nucleotide variant.
Coding change: c.*678G>T on transcript NM_001365308.1 (MANE Select); 678 bases downstream of the stop codon, G replaced by T.
Molecular consequence: 3 prime UTR variant.
Genome position (GRCh38, 1-based): chr7:34,153,951, G>T. VCF-style: chr7-34153951-G-T. GRCh37 (hg19) VCF-style: chr7-34193563-G-T.
Other names: NC_000007.13:g.34193563G>T; c.*678G>T (NM_133468.5).
Identifiers: ClinVar variation 360132 (VCV000360132.6), dbSNP rs77835415, ClinGen allele CA10629001.
Genomic context (GRCh38, chr7:34,153,951, plus strand): 5'-AAATATATATTTGTCACTAGGGCATAACCGAAGAATCAAGTGATTTCTTGCCATCCTTGC[G>T]TAGTCCTCAAGTCTTCTAATCATCTATGTGTGTATGATGGATGTGACCATTTATATGTCA-3'